The following is an entry in ClinVar:

ClinVar aggregate classification (germline): Uncertain significance (1 of 4 stars; one submission).

Submission:

Ambry Genetics
Classification: Uncertain significance. Last evaluated: 2025-10-02. Review status: criteria provided, single submitter. Criteria: Ambry Variant Classification Scheme 2023. Collection method: clinical testing. Allele origin: germline.
Comment: The p.E621G variant (also known as c.1862A>G), located in coding exon 8 of the RNF43 gene, results from an A to G substitution at nucleotide position 1862. The glutamic acid at codon 621 is replaced by glycine, an amino acid with similar properties. This amino acid position is conserved. In addition, this alteration is predicted to be tolerated by in silico analysis. Based on the available evidence, the clinical significance of this variant remains unclear.

NM_017763.6(RNF43):c.1862A>G (p.Glu621Gly)

Gene: RNF43 (ring finger protein 43; minus strand). Cytogenetic location: 17q22.
Variant type: single nucleotide variant.
Coding change: c.1862A>G on transcript NM_017763.6 (MANE Select); coding-DNA position 1862, A replaced by G.
Protein change: p.Glu621Gly; replaces glutamic acid 621 with glycine.
Molecular consequence: missense variant.
Genome position (GRCh38, 1-based): chr17:58,357,914, T>C on the plus strand (A>G on the coding strand, the complement: RNF43 is on the minus strand). VCF-style: chr17-58357914-T-C. GRCh37 (hg19) VCF-style: chr17-56435275-T-C.
Other names: c.1862A>G, p.Glu621Gly (NM_001305544.3); c.1481A>G, p.Glu494Gly (NM_001305545.2); short protein forms E621G, E494G.
Identifiers: ClinVar variation 3946943 (VCV003946943.2).